The following is an entry in ClinVar:

NM_001368067.1(LDB3):c.781_783delinsTT (p.Ser261fs)

Gene: LDB3 (LIM domain binding 3; plus strand). Cytogenetic location: 10q23.2.
Variant type: Indel.
Coding change: c.781_783delinsTT on transcript NM_001368067.1 (MANE Plus Clinical); coding-DNA positions 781 to 783, AGC replaced by TT.
Protein change: p.Ser261fs; shifts the reading frame from serine 261.
Molecular consequence: frameshift variant. On other transcripts: intron variant (6).
Genome position (GRCh38, 1-based): chr10:86,699,303-86,699,305, AGC replaced by TT. VCF-style: chr10-86699303-AGC-TT. GRCh37 (hg19) VCF-style: chr10-88459060-AGC-TT.
Other names: c.922_924delinsTT, p.Ser308fs (NM_001080115.2, NM_001368063.1); c.781_783delinsTT, p.Ser261fs (NM_001080116.1, NM_001368068.1); c.1126_1128delinsTT, p.Ser376fs (NM_001171611.2); c.896+6732_896+6734delinsTT (NM_001368064.1, NM_007078.3, NM_001368065.1); c.1100+6732_1100+6734delinsTT (NM_001171610.2); c.755+6732_755+6734delinsTT (NM_001368066.1, NM_001080114.2); short protein forms S261fs, S308fs, S376fs.
Identifiers: ClinVar variation 3368391 (VCV003368391.1).

ClinVar aggregate classification (germline): Uncertain significance (1 of 4 stars; one submission).

Submission:

GeneDx
Classification: Uncertain significance. Last evaluated: 2024-01-25. Review status: criteria provided, single submitter. Criteria: GeneDx Variant Classification Process June 2021. Collection method: clinical testing. Allele origin: germline. Affected: yes.
Comment: Not observed at significant frequency in large population cohorts (gnomAD); Frameshift variant predicted to result in abnormal protein length as the last 23 amino acids are replaced with 48 different amino acids; Has not been previously published as pathogenic or benign to our knowledge